The following is an entry in ClinVar:

ClinVar aggregate classification (germline): Uncertain significance. Review status: criteria provided, multiple submitters, no conflicts (2 of 4 stars). 2 submissions from 2 submitters: Uncertain significance (2). Last evaluated 2022-10-26.

Conditions:
Bardet-Biedl syndrome 16 (BBS16). Identifiers: Orphanet 110, MedGen C3889474, MONDO:0014444, OMIM 615993.
Senior-Loken syndrome 7 (SLSN7). Identifiers: Orphanet 3156, MedGen C3150877, MONDO:0013326, OMIM 613615.
Inborn genetic diseases. Identifiers: MedGen C0950123, MeSH D030342.

Allele frequency attached by ClinVar (database versions not stated): TOPMed below 0.00001; ExAC 0.00002; gnomAD exomes 0.00002.
gnomAD v4.1: 6 of 1,613,804 alleles (0.00037%); highest among the groups gnomAD compares: East Asian, 0.013%; no homozygotes.

Submissions (2):

Ambry Genetics
Classification: Uncertain significance for Inborn genetic diseases. Last evaluated: 2022-10-26. Review status: criteria provided, single submitter. Criteria: Ambry Variant Classification Scheme 2023. Collection method: clinical testing. Allele origin: germline.

Labcorp Genetics (formerly Invitae), Labcorp
Classification: Uncertain significance for Bardet-Biedl syndrome 16; Senior-Loken syndrome 7. Last evaluated: 2022-03-29. Review status: criteria provided, single submitter. Criteria: Invitae Variant Classification Sherloc (09022015). Collection method: clinical testing. Allele origin: germline.
Comment: This sequence change replaces threonine, which is neutral and polar, with isoleucine, which is neutral and non-polar, at codon 451 of the SDCCAG8 protein (p.Thr451Ile). This variant is present in population databases (rs762653933, gnomAD 0.03%). This variant has not been reported in the literature in individuals affected with SDCCAG8-related conditions. Algorithms developed to predict the effect of missense changes on protein structure and function are either unavailable or do not agree on the potential impact of this missense change (SIFT: "Tolerated"; PolyPhen-2: "Probably Damaging"; Align-GVGD: "Class C0"). In summary, the available evidence is currently insufficient to determine the role of this variant in disease. Therefore, it has been classified as a Variant of Uncertain Significance.

NM_006642.5(SDCCAG8):c.1352C>T (p.Thr451Ile)

Gene: SDCCAG8 (SHH signaling and ciliogenesis regulator SDCCAG8; plus strand). Cytogenetic location: 1q43.
Variant type: single nucleotide variant.
Coding change: c.1352C>T on transcript NM_006642.5 (MANE Select); coding-DNA position 1352, C replaced by T.
Protein change: p.Thr451Ile; replaces threonine 451 with isoleucine.
Molecular consequence: missense variant.
Genome position (GRCh38, 1-based): chr1:243,341,169, C>T. VCF-style: chr1-243341169-C-T. GRCh37 (hg19) VCF-style: chr1-243504471-C-T.
Other names: c.1352C>T (NM_006642.3); c.449C>T, p.Thr150Ile (NM_001350246.2, NM_001350247.2, NM_001350251.2); c.1448C>T, p.Thr483Ile (NM_001350248.2); c.1058C>T, p.Thr353Ile (NM_001350249.2); short protein forms T451I, T353I, T150I, T483I.
Identifiers: ClinVar variation 1363780 (VCV001363780.4), dbSNP rs762653933, ClinGen allele CA1483615.